The following is an entry in ClinVar:

ClinVar aggregate classification (germline): Likely benign. Review status: criteria provided, single submitter (1 of 4 stars). 2 submissions from 2 submitters: Likely benign (1). 1 of the submissions does not count toward it. Last evaluated 2021-09-20.

Conditions:
Developmental and epileptic encephalopathy, 11 (DEE11). Also called: Early infantile epileptic encephalopathy 11. Identifiers: Orphanet 1934, MedGen C3150987, MONDO:0013388, OMIM 613721.
Seizures, benign familial infantile, 3 (BFIS3). Also called: CONVULSIONS, BENIGN FAMILIAL INFANTILE, 3; Familial neonatal seizures. Identifiers: Orphanet 140927, Orphanet 306, MedGen C1843140, MONDO:0011904, OMIM 607745.
SCN2A-related disorder. Also called: SCN2A-related condition; SCN2A-related disorders. Identifiers: MedGen CN382226, MONDO:1060245.

Allele frequency attached by ClinVar (database versions not stated): gnomAD 0.00001; gnomAD exomes 0.00001 and 0.00002; TOPMed 0.00001; ExAC 0.00002.
gnomAD v4.1: 35 of 1,611,526 alleles (0.0022%); highest among the groups gnomAD compares: Non-Finnish European, 0.0028%; no homozygotes.

Submissions (2):

Labcorp Genetics (formerly Invitae), Labcorp
Classification: Likely benign for Seizures, benign familial infantile, 3; Developmental and epileptic encephalopathy, 11. Last evaluated: 2021-09-20. Review status: criteria provided, single submitter. Criteria: Invitae Variant Classification Sherloc (09022015). Collection method: clinical testing. Allele origin: germline.

PreventionGenetics, part of Exact Sciences
Classification: Likely benign for SCN2A-related condition. Last evaluated: 2019-06-21. Review status: no assertion criteria provided. Collection method: clinical testing. Allele origin: germline. Not counted in ClinVar's aggregate classification.
Comment: This variant is classified as likely benign based on ACMG/AMP sequence variant interpretation guidelines (Richards et al. 2015 PMID: 25741868, with internal and published modifications).

NM_001040142.2(SCN2A):c.1032A>G (p.Ala344=)

Gene: SCN2A (sodium voltage-gated channel alpha subunit 2; plus strand). Cytogenetic location: 2q24.3.
Variant type: single nucleotide variant.
Coding change: c.1032A>G on transcript NM_001040142.2 (MANE Select); coding-DNA position 1032, A replaced by G.
Protein change: p.Ala344=; no amino-acid change (alanine 344 retained).
Molecular consequence: synonymous variant.
Genome position (GRCh38, 1-based): chr2:165,312,086, A>G. VCF-style: chr2-165312086-A-G. GRCh37 (hg19) VCF-style: chr2-166168596-A-G.
Other names: c.1032A>G, p.Ala344= (NM_001040143.2, NM_001371246.1, NM_001371247.1 and 1 more transcripts); c.1032A>G (NM_021007.2).
Identifiers: ClinVar variation 1139121 (VCV001139121.11), dbSNP rs778228350, ClinGen allele CA1939737.